The following is an entry in ClinVar:

ClinVar aggregate classification (germline): Conflicting classifications of pathogenicity. Review status: criteria provided, conflicting classifications (1 of 4 stars). 4 submissions from 4 submitters: Likely pathogenic (2); Uncertain significance (1). 1 of the submissions does not count toward it. Last evaluated 2022-07-07.

Conditions:
Charcot-Marie-Tooth disease type 2B2 (CMT2B2). Also called: Charcot-Marie-Tooth Neuropathy Type 2B2; CHARCOT-MARIE-TOOTH DISEASE, AXONAL, AUTOSOMAL RECESSIVE, TYPE 2B2; CHARCOT-MARIE-TOOTH DISEASE, AXONAL, TYPE 2B2; CHARCOT-MARIE-TOOTH DISEASE, NEURONAL, TYPE 2B2. Identifiers: Orphanet 101101, MedGen C1854150, MONDO:0011570, OMIM 605589.
Congenital cataract-microcephaly-nevus flammeus simplex-severe intellectual disability syndrome. Also called: Basel-Vanagaite-Smirin-Yosef syndrome. Identifiers: Orphanet 464738, MedGen C4225323, MONDO:0014643, OMIM 616449.
Charcot-Marie-Tooth disease type 2. Also called: Charcot-Marie-Tooth type 2. Identifiers: Orphanet 64746, MedGen C0270914, MONDO:0018993.
Tip-toe gait. Also called: Toe walking. Identifiers: MedGen C0427144, HP:0030051.

Allele frequency attached by ClinVar (database versions not stated): 1000 Genomes Project 0.00020; TOPMed 0.00001; ExAC 0.00004; 1000 Genomes Project 30x 0.00031; gnomAD 0.00001.
gnomAD v4.1: 15 of 1,613,190 alleles (0.00093%); highest among the groups gnomAD compares: East Asian, 0.0022%; no homozygotes.

Submissions (4):

Labcorp Genetics (formerly Invitae), Labcorp
Classification: Uncertain significance for Charcot-Marie-Tooth disease type 2. Last evaluated: 2022-07-07. Review status: criteria provided, single submitter. Criteria: Invitae Variant Classification Sherloc (09022015). Collection method: clinical testing. Allele origin: germline.
Comment: In summary, the available evidence is currently insufficient to determine the role of this variant in disease. Therefore, it has been classified as a Variant of Uncertain Significance. Algorithms developed to predict the effect of sequence changes on RNA splicing suggest that this variant may create or strengthen a splice site. This sequence change replaces glycine, which is neutral and non-polar, with arginine, which is basic and polar, at codon 106 of the MED25 protein (p.Gly106Arg). This variant is present in population databases (rs535472885, gnomAD 0.006%). This missense change has been observed in individual(s) with clinical features of MED25-related conditions (PMID: 32324310, 32371413). ClinVar contains an entry for this variant (Variation ID: 421749). Algorithms developed to predict the effect of missense changes on protein structure and function are either unavailable or do not agree on the potential impact of this missense change (SIFT: "Deleterious"; PolyPhen-2: "Probably Damaging"; Align-GVGD: "Class C0").

Institute for Genomic Medicine (IGM) Clinical Laboratory, Nationwide Children's Hospital
Classification: Likely pathogenic for Charcot-Marie-Tooth disease type 2B2; Congenital cataract-microcephaly-nevus flammeus simplex-severe intellectual disability syndrome. Last evaluated: 2019-01-07. Review status: criteria provided, single submitter. Criteria: ACMG Guidelines, 2015. Collection method: clinical testing. Allele origin: germline. Affected: yes.
Comment: [ACMG/AMP: PM2, PM3, PP2, PM5] This alteration is absent from or rarely observed in large-scale population databases [PM2], is detected in trans with a known pathogenic variant [PM3], is a missense variant in a gene in which missense variants are a common mechanism of disease [PP2], is a novel missense change at an amino residue where a different missense change has been deemed to be pathogenic [PM5].

GeneDx
Classification: Likely pathogenic. Last evaluated: 2016-08-02. Review status: criteria provided, single submitter. Criteria: GeneDx Variant Classification (06012015). Collection method: clinical testing. Allele origin: germline. Affected: yes.
Comment: The G106R variant in the MED25 gene has not been reported previously as a pathogenic variant, nor as a benign variant, to our knowledge. The G106R variant was not observed in approximately 6500 individuals of European and African American ancestry in the NHLBI Exome Sequencing Project, indicating it is not a common benign variant in these populations. The G106R variant is a non-conservative amino acid substitution, which is likely to impact secondary protein structure as these residues differ in polarity, charge, size and/or other properties. This substitution occurs at a position that is conserved across species. In silico analysis predicts this variant is probably damaging to the protein structure/function. The G106R variant is a strong candidate for a pathogenic variant, however the possibility it may be a rare benign variant cannot be excluded.

Practice for Gait Abnormalities, David Pomarino, Competency Network Toe Walking C/o Practice Pomarino
Classification: Likely pathogenic for Tip-toe gait. Last evaluated: 2021-07-12. Review status: no assertion criteria provided. Collection method: clinical testing. Allele origin: germline. Affected: yes. Not counted in ClinVar's aggregate classification.
Comment: Hereditary motor sensory neuropathy (HMSN), also known as Charcot-Marie-Tooth Disease (CMT), is the most commonly inherited peripheral polyneuropathy. It constitutes a group of inherited, progressive, motor and sensory peripheral nerve disorders with properties of demyelination, axonal degeneration, or both. It is classified by clinical characteristics, modes of inheritance, electrophysiologic features, metabolic defects, and specific gene markers. Our patients all walk on tiptoe, so they show similar symptoms. When we genetically test them with our toe walking panel, we find that around 90 per cent of them have a genetic variant that explains their toe walking. These can be assigned, for example, to the area of myopathies (such as variants of the COL6A3 gene), the area of hereditary neuropathies (such as variants of the KMT2C gene) or the area of metabolic diseases (such as variants of the PYGM gene). In a smaller group of patients with almost identical symptoms, no abnormality is found in the genes of our panel, but spastic paraplegia can be detected. In another small group of our toe walkers, no abnormalities can be detected in the genes analysed in our toe walking panel, nor do they suffer from spastic paraplegia, as is also the case with healthy children. In contrast to these, however, they show a tiptoe gait. These patients suffer from infantile cerebral palsy, in which toe walking can also be observed.

Literature cited by the submitters: PubMed 32324310 (cited by Labcorp Genetics (formerly Invitae), Labcorp); PubMed 32371413 (cited by Labcorp Genetics (formerly Invitae), Labcorp); PubMed 37091313 (cited by Practice for Gait Abnormalities, David Pomarino, Competency Network Toe Walking C/o Practice Pomarino).

NM_030973.4(MED25):c.316G>A (p.Gly106Arg)

Gene: MED25 (mediator complex subunit 25; plus strand). Cytogenetic location: 19q13.33.
Variant type: single nucleotide variant.
Coding change: c.316G>A on transcript NM_030973.4 (MANE Select); coding-DNA position 316, G replaced by A.
Protein change: p.Gly106Arg; replaces glycine 106 with arginine.
Molecular consequence: missense variant.
Genome position (GRCh38, 1-based): chr19:49,828,459, G>A. VCF-style: chr19-49828459-G-A. GRCh37 (hg19) VCF-style: chr19-50331716-G-A.
Other names: c.316G>A, p.Gly106Arg (NM_001378355.1); short protein forms G106R.
Identifiers: ClinVar variation 421749 (VCV000421749.17), dbSNP rs535472885, ClinGen allele CA9584809.